The following is an entry in ClinVar:

NM_001940.4(ATN1):c.536C>T (p.Pro179Leu)

Gene: ATN1 (atrophin 1; plus strand). Cytogenetic location: 12p13.31.
Variant type: single nucleotide variant.
Coding change: c.536C>T on transcript NM_001940.4 (MANE Select); coding-DNA position 536, C replaced by T.
Protein change: p.Pro179Leu; replaces proline 179 with leucine.
Molecular consequence: missense variant.
Genome position (GRCh38, 1-based): chr12:6,935,803, C>T. VCF-style: chr12-6935803-C-T. GRCh37 (hg19) VCF-style: chr12-7044966-C-T.
Other names: c.536C>T, p.Pro179Leu (NM_001007026.2); short protein forms P179L.
Identifiers: ClinVar variation 2214380 (VCV002214380.4), dbSNP rs115226639, ClinGen allele CA6420403.

ClinVar aggregate classification (germline): Likely benign. Review status: criteria provided, single submitter (1 of 4 stars). 2 submissions from 2 submitters: Likely benign (1). 1 of the submissions does not count toward it. Last evaluated 2022-05-27.

Conditions:
Inborn genetic diseases. Identifiers: MedGen C0950123, MeSH D030342.
ATN1-related disorder. Also called: ATN1-related disorders; ATN1-related condition.

Allele frequency attached by ClinVar (database versions not stated): gnomAD exomes 0.00018; ExAC 0.00072; gnomAD 0.00186; TOPMed 0.00220; ESP Exome Variant Server 0.00231; 1000 Genomes Project 30x 0.00234; 1000 Genomes Project 0.00260.
gnomAD v4.1: 577 of 1,613,936 alleles (0.036%); highest among the groups gnomAD compares: African/African-American, 0.66%; 1 homozygote.

Submissions (2):

Ambry Genetics
Classification: Likely benign for Inborn genetic diseases. Last evaluated: 2022-05-27. Review status: criteria provided, single submitter. Criteria: Ambry Variant Classification Scheme 2023. Collection method: clinical testing. Allele origin: germline.

PreventionGenetics, part of Exact Sciences
Classification: Benign for ATN1-related condition. Last evaluated: 2019-09-17. Review status: no assertion criteria provided. Collection method: clinical testing. Allele origin: germline. Not counted in ClinVar's aggregate classification.
Comment: This variant is classified as benign based on ACMG/AMP sequence variant interpretation guidelines (Richards et al. 2015 PMID: 25741868, with internal and published modifications).